The following is an entry in ClinVar:

ClinVar aggregate classification (germline): Likely benign (1 of 4 stars; one submission).

Allele frequency attached by ClinVar (database versions not stated): gnomAD exomes 0.00006; ExAC 0.00007; ESP Exome Variant Server 0.00008; gnomAD 0.00009; TOPMed 0.00009.
gnomAD v4.1: 100 of 1,613,544 alleles (0.0062%); highest among the groups gnomAD compares: Middle Eastern, 0.049%; no homozygotes.

Submission:

CeGaT Center for Human Genetics Tuebingen
Classification: Likely benign. Last evaluated: 2023-05-01. Review status: criteria provided, single submitter. Criteria: CeGaT Center For Human Genetics Tuebingen Variant Classification Criteria Version 2. Collection method: clinical testing. Allele origin: germline. Affected: yes. Observed: 1 variant allele.
Comment: TEPSIN: BP4, BP7

NM_001363764.2(TEPSIN):c.840G>A (p.Ser280=)

Genes: TEPSIN (TEPSIN adaptor related protein complex 4 accessory protein; minus strand), TEPSIN-AS1 (TEPSIN antisense RNA 1; plus strand). Cytogenetic location: 17q25.3.
Variant type: single nucleotide variant.
Coding change: c.840G>A on transcript NM_001363764.2 (MANE Select); coding-DNA position 840, G replaced by A.
Protein change: p.Ser280=; no amino-acid change (serine 280 retained).
Molecular consequence: synonymous variant. On other transcripts: non-coding transcript variant (1).
Genome position (GRCh38, 1-based): chr17:81,231,912, C>T on the plus strand (G>A on the coding strand, the complement: TEPSIN is on the minus strand). VCF-style: chr17-81231912-C-T. GRCh37 (hg19) VCF-style: chr17-79205712-C-T.
Other names: c.636G>A, p.Ser212= (NM_144679.3).
Identifiers: ClinVar variation 2648444 (VCV002648444.24), dbSNP rs368701464, ClinGen allele CA8830821.